The following is an entry in ClinVar:

NM_006015.6(ARID1A):c.1390C>T (p.Gln464Ter)

Gene: ARID1A (AT-rich interaction domain 1A; plus strand). Cytogenetic location: 1p36.11.
Variant type: single nucleotide variant.
Coding change: c.1390C>T on transcript NM_006015.6 (MANE Select); coding-DNA position 1390, C replaced by T.
Protein change: p.Gln464Ter; replaces glutamine 464 with a stop codon.
Molecular consequence: nonsense.
Genome position (GRCh38, 1-based): chr1:26,731,191, C>T. VCF-style: chr1-26731191-C-T. GRCh37 (hg19) VCF-style: chr1-27057682-C-T.
Other names: c.1390C>T (LRG_875t1); c.1390C>T, p.Gln464Ter (NM_139135.4); short protein forms Q464*.
Identifiers: ClinVar variation 379359 (VCV000379359.2), dbSNP rs1057520585, ClinGen allele CA16603692.

ClinVar aggregate classification (germline): Pathogenic (1 of 4 stars; one submission).

Submission:

GeneDx
Classification: Pathogenic. Last evaluated: 2015-04-03. Review status: criteria provided, single submitter. Criteria: GeneDx Variant Classification (06012015). Collection method: clinical testing. Allele origin: germline. Affected: yes.
Comment: The Q464X variant in the ARID1A gene has not been reported previously as a pathogenic variantnor as a benign polymorphism, to our knowledge. This variant is predicted to cause loss of normal proteinfunction either through protein truncation or nonsense-mediated mRNA decay. The Q464X variant wasnot observed in approximately 6500 individuals of European and African American ancestry in the NHLBIExome Sequencing Project, indicating it is not a common benign variant in these populations. We interpretQ464X as a pathogenic variant.